The following is an entry in ClinVar:

NM_020822.3(KCNT1):c.2058C>T (p.Ser686=)

Gene: KCNT1 (potassium sodium-activated channel subfamily T member 1; plus strand). Cytogenetic location: 9q34.3.
Variant type: single nucleotide variant.
Coding change: c.2058C>T on transcript NM_020822.3 (MANE Select); coding-DNA position 2058, C replaced by T.
Protein change: p.Ser686=; no amino-acid change (serine 686 retained).
Molecular consequence: synonymous variant.
Genome position (GRCh38, 1-based): chr9:135,772,764, C>T. VCF-style: chr9-135772764-C-T. GRCh37 (hg19) VCF-style: chr9-138664610-C-T.
Other names: c.1923C>T, p.Ser641= (NM_001272003.2).
Identifiers: ClinVar variation 509041 (VCV000509041.15), dbSNP rs111647144, ClinGen allele CA5327175.

ClinVar aggregate classification (germline): Likely benign. Review status: criteria provided, multiple submitters, no conflicts (2 of 4 stars). 5 submissions from 4 submitters: Likely benign (5). Last evaluated 2025-12-19.

Conditions:
Inborn genetic diseases. Identifiers: MedGen C0950123, MeSH D030342.
Autosomal dominant nocturnal frontal lobe epilepsy 5. Also called: Epilepsy, nocturnal frontal lobe, 5; CILIARY DYSKINESIA, PRIMARY, 28, WITHOUT SITUS INVERSUS; CILIARY DYSKINESIA, PRIMARY, 28, WITH SITUS INVERSUS; KCNT1-Related Epilepsy. Identifiers: Orphanet 98784, MedGen C3554306, MONDO:0014002, OMIM 615005.
Developmental and epileptic encephalopathy, 14 (DEE14). Also called: Early infantile epileptic encephalopathy 14. Identifiers: Orphanet 293181, MedGen C3554195, MONDO:0013989, OMIM 614959.

Allele frequency attached by ClinVar (database versions not stated): gnomAD exomes 0.00007; gnomAD 0.00019 and 0.00021; TOPMed 0.00022; ExAC 0.00032.
gnomAD v4.1: 102 of 1,476,728 alleles (0.0069%); highest among the groups gnomAD compares: African/African-American, 0.083%; 1 homozygote.

Submissions (5):

Labcorp Genetics (formerly Invitae), Labcorp
Classification: Likely benign for Autosomal dominant nocturnal frontal lobe epilepsy 5; Developmental and epileptic encephalopathy, 14. Last evaluated: 2025-12-19. Review status: criteria provided, single submitter. Criteria: Invitae Variant Classification Sherloc (09022015). Collection method: clinical testing. Allele origin: germline.

Genome-Nilou Lab
Classification: Likely benign for Developmental and epileptic encephalopathy, 14. Last evaluated: 2022-03-15. Review status: criteria provided, single submitter. Criteria: ACMG Guidelines, 2015. Collection method: clinical testing. Allele origin: germline. Affected: no.

Genome-Nilou Lab
Classification: Likely benign for Autosomal dominant nocturnal frontal lobe epilepsy 5. Last evaluated: 2022-03-15. Review status: criteria provided, single submitter. Criteria: ACMG Guidelines, 2015. Collection method: clinical testing. Allele origin: germline. Affected: no.

Ambry Genetics
Classification: Likely benign for Inborn genetic diseases. Last evaluated: 2019-02-23. Review status: criteria provided, single submitter. Criteria: Ambry Variant Classification Scheme 2023. Collection method: clinical testing. Allele origin: germline.

GeneDx
Classification: Likely benign. Last evaluated: 2017-04-17. Review status: criteria provided, single submitter. Criteria: GeneDx Variant Classification (06012015). Collection method: clinical testing. Allele origin: germline. Affected: yes.
Comment: This variant is considered likely benign or benign based on one or more of the following criteria: it is a conservative change, it occurs at a poorly conserved position in the protein, it is predicted to be benign by multiple in silico algorithms, and/or has population frequency not consistent with disease.